The following is an entry in ClinVar:

NM_023014.1(PRAMEF2):c.1233G>A (p.Thr411=)

Gene: PRAMEF2 (PRAME family member 2; plus strand). Cytogenetic location: 1p36.21.
Variant type: single nucleotide variant.
Coding change: c.1233G>A on transcript NM_023014.1 (MANE Select); coding-DNA position 1233, G replaced by A.
Protein change: p.Thr411=; no amino-acid change (threonine 411 retained).
Molecular consequence: synonymous variant.
Genome position (GRCh38, 1-based): chr1:12,861,587, G>A. VCF-style: chr1-12861587-G-A. GRCh37 (hg19) VCF-style: chr1-12921442-G-A.
Identifiers: ClinVar variation 403341 (VCV000403341.4), dbSNP rs370982921, ClinGen allele CA608337.

ClinVar aggregate classification (germline): Likely benign (1 of 4 stars; one submission).

Allele frequency attached by ClinVar (database versions not stated): TOPMed 0.00007; ESP Exome Variant Server 0.00008; ExAC 0.00006; gnomAD 0.00006.
gnomAD v4.1: 172 of 1,604,538 alleles (0.011%); highest among the groups gnomAD compares: Non-Finnish European, 0.014%; 2 homozygotes.

Submission:

Laboratory for Molecular Medicine, Mass General Brigham Personalized Medicine
Classification: Likely benign. Last evaluated: 2016-03-29. Review status: criteria provided, single submitter. Criteria: LMM Criteria. Collection method: clinical testing. Allele origin: germline.
Comment: Variant identified in a genome or exome case(s) and assessed due to predicted null impact of the variant or pathogenic assertions in the literature or databases. Disclaimer: This variant has not undergone full assessment. The following are preliminary notes: Silent variant not near splice site